The following is an entry in ClinVar:

ClinVar aggregate classification (germline): Uncertain significance (1 of 4 stars; one submission).

Conditions:
Charcot-Marie-Tooth disease axonal type 2O. Also called: CHARCOT-MARIE-TOOTH DISEASE, AXONAL, AUTOSOMAL DOMINANT, TYPE 2O; CHARCOT-MARIE-TOOTH NEUROPATHY, AXONAL, TYPE 2O; Charcot-Marie-Tooth Neuropathy Type 2O; Charcot-Marie-Tooth disease, axonal, type 20. Identifiers: Orphanet 284232, MedGen C3280220, MONDO:0013644, OMIM 614228.

Submission:

Labcorp Genetics (formerly Invitae), Labcorp
Classification: Uncertain significance for Charcot-Marie-Tooth disease axonal type 2O. Last evaluated: 2024-07-24. Review status: criteria provided, single submitter. Criteria: Invitae Variant Classification Sherloc (09022015). Collection method: clinical testing. Allele origin: germline.
Comment: This sequence change creates a premature translational stop signal (p.Asn3401Thrfs*6) in the DYNC1H1 gene. It is expected to result in an absent or disrupted protein product. However, the current clinical and genetic evidence is not sufficient to establish whether loss-of-function variants in DYNC1H1 cause disease. This variant is not present in population databases (gnomAD no frequency). This variant has not been reported in the literature in individuals affected with DYNC1H1-related conditions. In summary, the available evidence is currently insufficient to determine the role of this variant in disease. Therefore, it has been classified as a Variant of Uncertain Significance.

NM_001376.5(DYNC1H1):c.10200del (p.Asn3401fs)

Gene: DYNC1H1 (dynein cytoplasmic 1 heavy chain 1; plus strand). Cytogenetic location: 14q32.31.
Variant type: Deletion.
Coding change: c.10200del on transcript NM_001376.5 (MANE Select); coding-DNA position 10200, one base deleted (T; older notation c.10200delT).
Protein change: p.Asn3401fs; shifts the reading frame from asparagine 3401.
Molecular consequence: frameshift variant.
Genome position (GRCh38, 1-based): chr14:102,033,271, T deleted; the last of 2 consecutive T bases (chr14:102,033,270-102,033,271); deleting either gives the same sequence. VCF-style (leftmost placement, unchanged base first): chr14-102033269-CT-C. GRCh37 (hg19) VCF-style: chr14-102499606-CT-C.
Other names: short protein forms N3401fs.
Identifiers: ClinVar variation 3660463 (VCV003660463.2).
Genomic context (GRCh38, chr14:102,033,269, plus strand): 5'-TGTGAAAGGTGACCTCTTTTCCTGTCACTTAAATAACAGTTATCAATTGGTTCTTCCCAG[CT>C]TAACTATGCAGACATGTTAAAGAGAGTGGAGCCCCTACGCAATGAGCTGCAGAAGCTGGA-3'